The following is an entry in ClinVar:

ClinVar aggregate classification (germline): Uncertain significance (1 of 4 stars; one submission).

Conditions:
Inborn genetic diseases. Identifiers: MedGen C0950123, MeSH D030342.

Allele frequency attached by ClinVar (database versions not stated): gnomAD exomes below 0.00001; ExAC 0.00002.
gnomAD v4.1: 4 of 1,596,602 alleles (0.00025%); highest among the groups gnomAD compares: Non-Finnish European, 0.00026%; no homozygotes.

Submission:

Ambry Genetics
Classification: Uncertain significance for Inborn genetic diseases. Last evaluated: 2022-03-22. Review status: criteria provided, single submitter. Criteria: Ambry Variant Classification Scheme 2023. Collection method: clinical testing. Allele origin: germline.
Comment: Occurs in the last base pair of the exon Based on insufficient or conflicting evidence, the clinical significance of this alteration remains unclear.

NM_000338.3(SLC12A1):c.2154G>C (p.Val718=)

Gene: SLC12A1 (solute carrier family 12 member 1; plus strand). Cytogenetic location: 15q21.1.
Variant type: single nucleotide variant.
Coding change: c.2154G>C on transcript NM_000338.3 (MANE Select); coding-DNA position 2154, G replaced by C.
Protein change: p.Val718=; no amino-acid change (valine 718 retained).
Molecular consequence: synonymous variant.
Genome position (GRCh38, 1-based): chr15:48,259,311, G>C. VCF-style: chr15-48259311-G-C. GRCh37 (hg19) VCF-style: chr15-48551508-G-C.
Other names: c.2154G>C, p.Val718= (NM_001184832.2, NM_001384136.1).
Identifiers: ClinVar variation 2277100 (VCV002277100.2), dbSNP rs779250922, ClinGen allele CA7547296.